The following is an entry in ClinVar:

NM_001110556.2(FLNA):c.4824C>T (p.Tyr1608=)

Gene: FLNA (filamin A; minus strand). Cytogenetic location: Xq28.
Variant type: single nucleotide variant.
Coding change: c.4824C>T on transcript NM_001110556.2 (MANE Select); coding-DNA position 4824, C replaced by T.
Protein change: p.Tyr1608=; no amino-acid change (tyrosine 1608 retained).
Molecular consequence: synonymous variant.
Genome position (GRCh38, 1-based): chrX:154,357,555, G>A on the plus strand (C>T on the coding strand, the complement: FLNA is on the minus strand). VCF-style: chrX-154357555-G-A. GRCh37 (hg19) VCF-style: chrX-153585923-G-A.
Other names: c.4824C>T, p.Tyr1608= (NM_001456.4); c.4824C>T (NM_001110556.1).
Identifiers: ClinVar variation 514467 (VCV000514467.39), dbSNP rs781789823, ClinGen allele CA10560459.
Genomic context (GRCh38, chrX:154,357,555, plus strand): 5'-GGGGATCTCGTCACCACCGTACTTGATGAGGATGGTGTAGCGACCTGTCACGTCTGGCAC[G>A]TAGGCCACTGTATACGTGCCGTCATGGTTGTCTTGGATGTGTGTCTTCTTCGGCTTGCCT-3'
Protein context (NP_001104026.1, residues 1598-1618): DNHDGTYTVA[Tyr1608=]VPDVTGRYTI

ClinVar aggregate classification (germline): Likely benign. Review status: criteria provided, multiple submitters, no conflicts (2 of 4 stars). 7 submissions from 7 submitters: Likely benign (6). 1 of the submissions does not count toward it. Last evaluated 2025-12-13.

Conditions:
Frontometaphyseal dysplasia (FMD1). Identifiers: Orphanet 1826, MedGen C0265293, MONDO:0015942.
Heterotopia, periventricular, X-linked dominant (PVNH1). Also called: X-linked periventricular heterotopia; PERIVENTRICULAR NODULAR HETEROTOPIA 4; HETEROTOPIA, PERIVENTRICULAR, 1; PERIVENTRICULAR NODULAR HETEROTOPIA 1. Identifiers: Orphanet 2149, Orphanet 82004, MedGen C1848213, MONDO:0010233, OMIM 300049.
Oto-palato-digital syndrome, type II (OPD2). Also called: Otopalatodigital Syndrome Type 2 (FLNA-OPD2); FACIOPALATOOSSEOUS SYNDROME; Otopalatodigital Syndrome, Type II; OPD II SYNDROME. Identifiers: Orphanet 669, Orphanet 90652, MedGen C1844696, MONDO:0010571, OMIM 304120.
Melnick-Needles syndrome (MNS). Also called: Melnick-Needles Syndrome (FLNA-MNS); MELNICK-NEEDLES OSTEODYSPLASTY; OSTEODYSPLASTY OF MELNICK AND NEEDLES. Identifiers: Orphanet 2484, MedGen C0025237, MONDO:0010650, OMIM 309350.
Familial thoracic aortic aneurysm and aortic dissection (TAAD). Also called: Thoracic aortic aneurysms and dissections. Identifiers: Orphanet 91387, MedGen C4707243, MONDO:0019625.
FLNA-related disorder.

Allele frequency attached by ClinVar (database versions not stated): gnomAD exomes 0.00002 and 0.00004; ExAC 0.00004; gnomAD 0.00010; TOPMed 0.00019.
gnomAD v4.1: 31 of 1,210,326 alleles (0.0026%); highest among the groups gnomAD compares: African/African-American, 0.035%; no homozygotes.

Submissions (7):

Labcorp Genetics (formerly Invitae), Labcorp
Classification: Likely benign for Oto-palato-digital syndrome, type II; Heterotopia, periventricular, X-linked dominant; Frontometaphyseal dysplasia; Melnick-Needles syndrome. Last evaluated: 2025-12-13. Review status: criteria provided, single submitter. Criteria: Invitae Variant Classification Sherloc (09022015). Collection method: clinical testing. Allele origin: germline.

Women's Health and Genetics/Laboratory Corporation of America, LabCorp
Classification: Likely benign. Last evaluated: 2024-04-24. Review status: criteria provided, single submitter. Criteria: LabCorp Variant Classification Summary - May 2015. Collection method: clinical testing. Allele origin: germline.

CeGaT Center for Human Genetics Tuebingen
Classification: Likely benign. Last evaluated: 2022-03-01. Review status: criteria provided, single submitter. Criteria: CeGaT Center For Human Genetics Tuebingen Variant Classification Criteria Version 2. Collection method: clinical testing. Allele origin: germline. Affected: yes. Observed: 1 variant allele.
Comment: FLNA: BP4, BP7

Blueprint Genetics
Classification: Likely benign. Last evaluated: 2021-09-01. Review status: criteria provided, single submitter. Criteria: ACMG Guidelines, 2015. Collection method: clinical testing. Allele origin: germline.

Ambry Genetics
Classification: Likely benign for Familial thoracic aortic aneurysm and aortic dissection. Last evaluated: 2019-11-21. Review status: criteria provided, single submitter. Criteria: Ambry Variant Classification Scheme 2023. Collection method: clinical testing. Allele origin: germline.

GeneDx
Classification: Likely benign. Last evaluated: 2018-01-02. Review status: criteria provided, single submitter. Criteria: GeneDx Variant Classification (06012015). Collection method: clinical testing. Allele origin: germline. Affected: yes.
Comment: This variant is considered likely benign or benign based on one or more of the following criteria: it is a conservative change, it occurs at a poorly conserved position in the protein, it is predicted to be benign by multiple in silico algorithms, and/or has population frequency not consistent with disease.

PreventionGenetics, part of Exact Sciences
Classification: Likely benign for FLNA-related condition. Last evaluated: 2019-10-14. Review status: no assertion criteria provided. Collection method: clinical testing. Allele origin: germline. Not counted in ClinVar's aggregate classification.
Comment: This variant is classified as likely benign based on ACMG/AMP sequence variant interpretation guidelines (Richards et al. 2015 PMID: 25741868, with internal and published modifications).